The following is an entry in ClinVar:

NM_014681.6(DHX34):c.2184C>T (p.His728=)

Gene: DHX34 (DExH-box helicase 34; plus strand). Cytogenetic location: 19q13.32.
Variant type: single nucleotide variant.
Coding change: c.2184C>T on transcript NM_014681.6 (MANE Select); coding-DNA position 2184, C replaced by T.
Protein change: p.His728=; no amino-acid change (histidine 728 retained).
Molecular consequence: synonymous variant.
Genome position (GRCh38, 1-based): chr19:47,375,585, C>T. VCF-style: chr19-47375585-C-T. GRCh37 (hg19) VCF-style: chr19-47878842-C-T.
Identifiers: ClinVar variation 781510 (VCV000781510.7), dbSNP rs79484248, ClinGen allele CA9538392.

ClinVar aggregate classification (germline): Benign. Review status: criteria provided, multiple submitters, no conflicts (2 of 4 stars). 3 submissions from 3 submitters: Benign (2). 1 of the submissions does not count toward it. Last evaluated 2019-12-31.

Conditions:
DHX34-related disorder. Also called: DHX34-related condition.

Allele frequency attached by ClinVar (database versions not stated): ExAC 0.00585; ESP Exome Variant Server 0.01028; gnomAD 0.01113; TOPMed 0.01323; 1000 Genomes Project 0.01338; 1000 Genomes Project 30x 0.01390.
gnomAD v4.1: 3,591 of 1,546,248 alleles (0.23%); highest among the groups gnomAD compares: African/African-American, 4.3%; 82 homozygotes.

Submissions (3):

Labcorp Genetics (formerly Invitae), Labcorp
Classification: Benign. Last evaluated: 2019-12-31. Review status: criteria provided, single submitter. Criteria: Invitae Variant Classification Sherloc (09022015). Collection method: clinical testing. Allele origin: germline.

Breakthrough Genomics
Classification: Benign. Review status: criteria provided, single submitter. Criteria: ACMG Guidelines, 2015. Collection method: not provided. Allele origin: germline. Inheritance: Unknown mechanism. Affected: yes.

PreventionGenetics, part of Exact Sciences
Classification: Benign for DHX34-related condition. Last evaluated: 2019-11-25. Review status: no assertion criteria provided. Collection method: clinical testing. Allele origin: germline. Not counted in ClinVar's aggregate classification.
Comment: This variant is classified as benign based on ACMG/AMP sequence variant interpretation guidelines (Richards et al. 2015 PMID: 25741868, with internal and published modifications).